The following is an entry in ClinVar:

NM_015450.3(POT1):c.1705C>G (p.Pro569Ala)

Gene: POT1 (protection of telomeres 1; minus strand). Cytogenetic location: 7q31.33.
Variant type: single nucleotide variant.
Coding change: c.1705C>G on transcript NM_015450.3 (MANE Select); coding-DNA position 1705, C replaced by G.
Protein change: p.Pro569Ala; replaces proline 569 with alanine.
Molecular consequence: missense variant. On other transcripts: non-coding transcript variant (3).
Genome position (GRCh38, 1-based): chr7:124,825,339, G>C on the plus strand (C>G on the coding strand, the complement: POT1 is on the minus strand). VCF-style: chr7-124825339-G-C. GRCh37 (hg19) VCF-style: chr7-124465393-G-C.
Other names: c.1312C>G, p.Pro438Ala (NM_001042594.2); short protein forms P569A, P438A.
Identifiers: ClinVar variation 819847 (VCV000819847.4), dbSNP rs1388805721, ClinGen allele CA369062507.

ClinVar aggregate classification (germline): Uncertain significance (1 of 4 stars; one submission).

Conditions:
Hereditary cancer-predisposing syndrome. Also called: Neoplastic Syndromes, Hereditary; Tumor predisposition; Hereditary Cancer Syndrome; Hereditary neoplastic syndrome. Identifiers: Orphanet 140162, MedGen C0027672, MeSH D009386, MONDO:0015356.

Submission:

Ambry Genetics
Classification: Uncertain significance for Hereditary cancer-predisposing syndrome. Last evaluated: 2019-12-05. Review status: criteria provided, single submitter. Criteria: Ambry Variant Classification Scheme 2023. Collection method: clinical testing. Allele origin: germline.
Comment: The p.P569A variant (also known as c.1705C>G), located in coding exon 14 of the POT1 gene, results from a C to G substitution at nucleotide position 1705. The proline at codon 569 is replaced by alanine, an amino acid with highly similar properties. This amino acid position is highly conserved in available vertebrate species. In addition, this alteration is predicted to be tolerated by in silico analysis. Since supporting evidence is limited at this time, the clinical significance of this alteration remains unclear.